The following is an entry in ClinVar:

ClinVar aggregate classification (germline): Uncertain significance (1 of 4 stars; one submission).

Conditions:
Acyl-CoA oxidase deficiency. Also called: Peroxisomal acyl-CoA oxidase deficiency; STRAIGHT-CHAIN ACYL-CoA OXIDASE DEFICIENCY; Pseudoneonatal adrenoleukodystrophy. Identifiers: Orphanet 2971, MedGen C1849678, MONDO:0009919, OMIM 264470. Disease mechanism: loss of function.

Allele frequency attached by ClinVar (database versions not stated): ExAC 0.00001; gnomAD exomes 0.00001; TOPMed 0.00001.
gnomAD v4.1: 7 of 1,613,882 alleles (0.00043%); highest among the groups gnomAD compares: Non-Finnish European, 0.00059%; no homozygotes.

Submission:

Labcorp Genetics (formerly Invitae), Labcorp
Classification: Uncertain significance for Acyl-CoA oxidase deficiency. Last evaluated: 2023-09-11. Review status: criteria provided, single submitter. Criteria: Invitae Variant Classification Sherloc (09022015). Collection method: clinical testing. Allele origin: germline.
Comment: Variants that disrupt the consensus splice site are a relatively common cause of aberrant splicing (PMID: 17576681, 9536098). Algorithms developed to predict the effect of sequence changes on RNA splicing suggest that this variant is not likely to affect RNA splicing. In summary, the available evidence is currently insufficient to determine the role of this variant in disease. Therefore, it has been classified as a Variant of Uncertain Significance. This variant has not been reported in the literature in individuals affected with ACOX1-related conditions. This sequence change falls in intron 9 of the ACOX1 gene. It does not directly change the encoded amino acid sequence of the ACOX1 protein. It affects a nucleotide within the consensus splice site. This variant is present in population databases (rs767727082, gnomAD 0.0009%).

Literature cited by the submitters: PubMed 17576681; PubMed 9536098.

NM_004035.7(ACOX1):c.1298+3G>A

Gene: ACOX1 (acyl-CoA oxidase 1; minus strand). Cytogenetic location: 17q25.1.
Variant type: single nucleotide variant.
Coding change: c.1298+3G>A on transcript NM_004035.7 (MANE Select); 3 bases into the intron after coding-DNA position 1298, G replaced by A.
Molecular consequence: intron variant.
Genome position (GRCh38, 1-based): chr17:75,950,771, C>T on the plus strand (G>A on the coding strand, the complement: ACOX1 is on the minus strand). VCF-style: chr17-75950771-C-T. GRCh37 (hg19) VCF-style: chr17-73946852-C-T.
Other names: c.1298+3G>A (NM_007292.6); c.1184+3G>A (NM_001185039.2).
Identifiers: ClinVar variation 2988803 (VCV002988803.3), dbSNP rs767727082, ClinGen allele CA8776811.